The following is an entry in ClinVar:

NM_022089.4(ATP13A2):c.3298G>A (p.Gly1100Ser)

Gene: ATP13A2 (ATPase cation transporting 13A2; minus strand). Cytogenetic location: 1p36.13.
Variant type: single nucleotide variant.
Coding change: c.3298G>A on transcript NM_022089.4 (MANE Select); coding-DNA position 3298, G replaced by A.
Protein change: p.Gly1100Ser; replaces glycine 1100 with serine.
Molecular consequence: missense variant. On other transcripts: intron variant (1).
Genome position (GRCh38, 1-based): chr1:16,986,570, C>T on the plus strand (G>A on the coding strand, the complement: ATP13A2 is on the minus strand). VCF-style: chr1-16986570-C-T. GRCh37 (hg19) VCF-style: chr1-17313065-C-T.
Other names: p.Gly1100Ser; c.3283G>A, p.Gly1095Ser (NM_001141973.3); c.3104-212G>A (NM_001141974.3); short protein forms G1095S, G1100S.
Identifiers: ClinVar variation 3379441 (VCV003379441.1).
Genomic context (GRCh38, chr1:16,986,570, plus strand): 5'-GCAGCAGCTTGAAGCCGGTGTCAGTGATGTTCCTCAGCGCCAGCGGCCCCTGCAGGAGGC[C>T]GGGGACCAGGACAAGGCCCACCAGGACGGAGCTCAGGAGCGCCAGGGCCACCAGGAAGGG-3'
Protein context (NP_071372.1, residues 1090-1110): SVLVGLVLVP[Gly1100Ser]LLQGPLALRN

ClinVar aggregate classification (germline): Uncertain significance (1 of 4 stars; one submission).

gnomAD v4.1: 27 of 1,612,034 alleles (0.0017%); highest among the groups gnomAD compares: Non-Finnish European, 0.0021%; no homozygotes.

Submission:

Mayo Clinic Laboratories, Mayo Clinic
Classification: Uncertain significance. Last evaluated: 2023-08-15. Review status: criteria provided, single submitter. Criteria: ACMG Guidelines, 2015. Collection method: clinical testing. Allele origin: germline. Observed: 1 variant allele.
Comment: BP4